The following is an entry in ClinVar:

NM_004371.4(COPA):c.862C>T (p.Arg288Cys)

Gene: COPA (coat protein complex I subunit alpha; minus strand). Cytogenetic location: 1q23.2.
Variant type: single nucleotide variant.
Coding change: c.862C>T on transcript NM_004371.4 (MANE Select); coding-DNA position 862, C replaced by T.
Protein change: p.Arg288Cys; replaces arginine 288 with cysteine.
Molecular consequence: missense variant.
Genome position (GRCh38, 1-based): chr1:160,313,148, G>A on the plus strand (C>T on the coding strand, the complement: COPA is on the minus strand). VCF-style: chr1-160313148-G-A. GRCh37 (hg19) VCF-style: chr1-160282938-G-A.
Other names: c.862C>T, p.Arg288Cys (NM_001098398.2); short protein forms R288C.
Identifiers: ClinVar variation 2914165 (VCV002914165.3), dbSNP rs748420244, ClinGen allele CA1198264.

ClinVar aggregate classification (germline): Uncertain significance (1 of 4 stars; one submission).

Conditions:
Autoimmune interstitial lung disease-arthritis syndrome. Also called: Autoinflammation and autoimmunity, systemic, with immune dysregulation. Identifiers: Orphanet 444092, MedGen C5975714, MONDO:0014629.

Allele frequency attached by ClinVar (database versions not stated): gnomAD exomes below 0.00001; ExAC 0.00002.
gnomAD v4.1: 6 of 1,614,020 alleles (0.00037%); highest among the groups gnomAD compares: South Asian, 0.0011%; no homozygotes.

Submission:

Labcorp Genetics (formerly Invitae), Labcorp
Classification: Uncertain significance for Autoimmune interstitial lung disease-arthritis syndrome. Last evaluated: 2022-11-28. Review status: criteria provided, single submitter. Criteria: Invitae Variant Classification Sherloc (09022015). Collection method: clinical testing. Allele origin: germline.
Comment: This sequence change replaces arginine, which is basic and polar, with cysteine, which is neutral and slightly polar, at codon 288 of the COPA protein (p.Arg288Cys). This variant is present in population databases (rs748420244, gnomAD 0.003%). This variant has not been reported in the literature in individuals affected with COPA-related conditions. Advanced modeling of protein sequence and biophysical properties (such as structural, functional, and spatial information, amino acid conservation, physicochemical variation, residue mobility, and thermodynamic stability) performed at Invitae indicates that this missense variant is expected to disrupt COPA protein function. In summary, the available evidence is currently insufficient to determine the role of this variant in disease. Therefore, it has been classified as a Variant of Uncertain Significance.